The following is an entry in ClinVar:

ClinVar aggregate classification (germline): Conflicting classifications of pathogenicity. Review status: criteria provided, conflicting classifications (1 of 4 stars). 6 submissions from 6 submitters: Uncertain significance (1); Likely benign (3). 2 of the submissions do not count toward it. Last evaluated 2026-01-14.

Conditions:
PEX1-related disorder. Also called: PEX1-related condition.
Zellweger spectrum disorders (ZS). Also called: Zellweger Spectrum Disorder; Zellweger Spectrum; Zellweger syndrome; Zellweger Spectrum Disorder (ZSD). Identifiers: Orphanet 912, MedGen C0043459, MONDO:0019609.

Allele frequency attached by ClinVar (database versions not stated): gnomAD exomes 0.00008 and 0.00018; ExAC 0.00016; gnomAD 0.00022; ESP Exome Variant Server 0.00023; TOPMed 0.00035; 1000 Genomes Project 0.00040; 1000 Genomes Project 30x 0.00047.
gnomAD v4.1: 169 of 1,612,504 alleles (0.01%); highest among the groups gnomAD compares: Admixed American, 0.11%; no homozygotes.

Submissions (6):

Labcorp Genetics (formerly Invitae), Labcorp
Classification: Likely benign for Zellweger spectrum disorders. Last evaluated: 2026-01-14. Review status: criteria provided, single submitter. Criteria: Invitae Variant Classification Sherloc (09022015). Collection method: clinical testing. Allele origin: germline.

Blueprint Genetics
Classification: Likely benign. Last evaluated: 2024-11-07. Review status: criteria provided, single submitter. Criteria: ACMG Guidelines, 2015. Collection method: clinical testing. Allele origin: germline.

CeGaT Center for Human Genetics Tuebingen
Classification: Likely benign. Last evaluated: 2024-01-01. Review status: criteria provided, single submitter. Criteria: CeGaT Center For Human Genetics Tuebingen Variant Classification Criteria Version 2. Collection method: clinical testing. Allele origin: germline. Affected: yes. Observed: 1 variant allele.
Comment: PEX1: BP4, BP7

Eurofins Ntd Llc (ga)
Classification: Uncertain significance. Last evaluated: 2018-03-08. Review status: criteria provided, single submitter. Criteria: EGL ClinVar v180209 classification definitions. Collection method: clinical testing. Allele origin: germline. Observed: 2 variant alleles, 2 heterozygotes.

PreventionGenetics, part of Exact Sciences
Classification: Likely benign for PEX1-related condition. Last evaluated: 2021-09-09. Review status: no assertion criteria provided. Collection method: clinical testing. Allele origin: germline. Not counted in ClinVar's aggregate classification.
Comment: This variant is classified as likely benign based on ACMG/AMP sequence variant interpretation guidelines (Richards et al. 2015 PMID: 25741868, with internal and published modifications).

Natera, Inc.
Classification: Likely benign for Zellweger syndrome. Last evaluated: 2020-09-16. Review status: no assertion criteria provided. Collection method: clinical testing. Allele origin: germline. Not counted in ClinVar's aggregate classification.

NM_000466.3(PEX1):c.2640T>C (p.Tyr880=)

Gene: PEX1 (peroxisomal biogenesis factor 1; minus strand). Cytogenetic location: 7q21.2.
Variant type: single nucleotide variant.
Coding change: c.2640T>C on transcript NM_000466.3 (MANE Select); coding-DNA position 2640, T replaced by C.
Protein change: p.Tyr880=; no amino-acid change (tyrosine 880 retained).
Molecular consequence: synonymous variant.
Genome position (GRCh38, 1-based): chr7:92,499,782, A>G on the plus strand (T>C on the coding strand, the complement: PEX1 is on the minus strand). VCF-style: chr7-92499782-A-G. GRCh37 (hg19) VCF-style: chr7-92129096-A-G.
Other names: c.2469T>C, p.Tyr823= (NM_001282677.2); c.2016T>C, p.Tyr672= (NM_001282678.2).
Identifiers: ClinVar variation 502747 (VCV000502747.40), dbSNP rs201719745, ClinGen allele CA4341064.